The following is an entry in ClinVar:

NM_001276345.2(TNNT2):c.852-1G>T

Gene: TNNT2 (troponin T2, cardiac type; minus strand). Cytogenetic location: 1q32.1.
Variant type: single nucleotide variant.
Coding change: c.852-1G>T on transcript NM_001276345.2 (MANE Select); the canonical splice acceptor site of the intron before coding-DNA position 852, G replaced by T.
Molecular consequence: splice acceptor variant.
Genome position (GRCh38, 1-based): chr1:201,359,256, C>A on the plus strand (G>T on the coding strand, the complement: TNNT2 is on the minus strand). VCF-style: chr1-201359256-C-A. GRCh37 (hg19) VCF-style: chr1-201328384-C-A.
Other names: c.813-1G>T (NM_001406727.1, NM_001001431.3, NM_001406726.1); c.822-1G>T (NM_001406724.1, NM_001001430.3, NM_001276347.2); c.804-1G>T (NM_001001432.3); c.807-1G>T (NM_001406728.1); c.819-1G>T (NM_001406725.1); c.723-1G>T (NM_001276346.2); c.843-1G>T (NM_000364.4, NM_001406723.1).
Identifiers: ClinVar variation 181634 (VCV000181634.13), dbSNP rs730881114, ClinGen allele CA005233.

ClinVar aggregate classification (germline): Uncertain significance. Review status: criteria provided, multiple submitters, no conflicts (2 of 4 stars). 5 submissions from 3 submitters: Uncertain significance (5). Last evaluated 2023-04-11.

Conditions:
Cardiomyopathy, familial restrictive, 3. Identifiers: Orphanet 75249, MedGen C2676271, MONDO:0012900, OMIM 612422.
Dilated cardiomyopathy 1D. Identifiers: Orphanet 154, Orphanet 54260, MedGen C1832243, MONDO:0011095, OMIM 601494.
Hypertrophic cardiomyopathy 2. Also called: TNNT2-Related Familial Hypertrophic Cardiomyopathy. Identifiers: MedGen C1861864, MONDO:0007266, OMIM 115195.

Submissions (5):

Genome-Nilou Lab
Classification: Uncertain significance for Dilated cardiomyopathy 1D. Last evaluated: 2023-04-11. Review status: criteria provided, single submitter. Criteria: ACMG Guidelines, 2015. Collection method: clinical testing. Allele origin: germline. Affected: no.

Genome-Nilou Lab
Classification: Uncertain significance for Cardiomyopathy, familial restrictive, 3. Last evaluated: 2023-04-11. Review status: criteria provided, single submitter. Criteria: ACMG Guidelines, 2015. Collection method: clinical testing. Allele origin: germline. Affected: no.

Genome-Nilou Lab
Classification: Uncertain significance for Hypertrophic cardiomyopathy 2. Last evaluated: 2023-04-11. Review status: criteria provided, single submitter. Criteria: ACMG Guidelines, 2015. Collection method: clinical testing. Allele origin: germline. Affected: no.

Labcorp Genetics (formerly Invitae), Labcorp
Classification: Uncertain significance for Cardiomyopathy, familial restrictive, 3; Hypertrophic cardiomyopathy 2; Dilated cardiomyopathy 1D. Last evaluated: 2021-10-06. Review status: criteria provided, single submitter. Criteria: Invitae Variant Classification Sherloc (09022015). Collection method: clinical testing. Allele origin: germline.
Comment: This sequence change falls in intron 15 of the TNNT2 gene. It does not directly change the encoded amino acid sequence of the TNNT2 protein, but it affects a nucleotide within the consensus splice site of the intron. This variant is not present in population databases (ExAC no frequency). This variant has not been reported in the literature in individuals with TNNT2-related conditions. ClinVar contains an entry for this variant (Variation ID: 181634). Nucleotide substitutions within the consensus splice site are a relatively common cause of aberrant splicing (PMID: 17576681, 9536098). Algorithms developed to predict the effect of sequence changes on RNA splicing suggest that this variant may disrupt the consensus splice site, but this prediction has not been confirmed by published transcriptional studies. In summary, the available evidence is currently insufficient to determine the role of this variant in disease. Therefore, it has been classified as a Variant of Uncertain Significance.

GeneDx
Classification: Uncertain significance. Last evaluated: 2021-09-23. Review status: criteria provided, single submitter. Criteria: GeneDx Variant Classification Process June 2021. Collection method: clinical testing. Allele origin: germline. Affected: yes.
Comment: Has not been previously published as pathogenic or benign to our knowledge; Not observed at significant frequency in large population cohorts (Lek et al., 2016); Canonical splice site variant predicted to destroy the splice acceptor site of intron 15, the last intron in the TNNT2 gene; in the absence of functional evidence the actual effect of this sequence change is unknown.; This variant is associated with the following publications: (PMID: 26582918)

Literature cited by the submitters: PubMed 17576681 (cited by Labcorp Genetics (formerly Invitae), Labcorp); PubMed 9536098 (cited by Labcorp Genetics (formerly Invitae), Labcorp).